The following is an entry in ClinVar:

NM_000429.3(MAT1A):c.1086-1G>T

Genes: MAT1A (methionine adenosyltransferase 1A; minus strand), LOC126860980 (CDK7 strongly-dependent group 2 enhancer GRCh37_chr10:82032694-82033893; plus strand). Cytogenetic location: 10q22.3.
Variant type: single nucleotide variant.
Coding change: c.1086-1G>T on transcript NM_000429.3 (MANE Select); the canonical splice acceptor site of the intron before coding-DNA position 1086, G replaced by T.
Molecular consequence: splice acceptor variant.
Genome position (GRCh38, 1-based): chr10:80,273,884, C>A on the plus strand (G>T on the coding strand, the complement: MAT1A is on the minus strand). VCF-style: chr10-80273884-C-A. GRCh37 (hg19) VCF-style: chr10-82033640-C-A.
Identifiers: ClinVar variation 2079898 (VCV002079898.4), dbSNP rs2492483495, ClinGen allele CA377360244.

ClinVar aggregate classification (germline): Uncertain significance (1 of 4 stars; one submission).

Conditions:
Hepatic methionine adenosyltransferase deficiency. Also called: MAT I/III DEFICIENCY; Methionine adenosyltransferase deficiency; Isolated Persistent Hypermethioninemia; Deficiency of methionine adenosyltransferase. Identifiers: Orphanet 168598, MedGen C0268621, MeSH C564683, MONDO:0009607, OMIM 250850.

Submission:

Labcorp Genetics (formerly Invitae), Labcorp
Classification: Uncertain significance for Hepatic methionine adenosyltransferase deficiency. Last evaluated: 2022-09-12. Review status: criteria provided, single submitter. Criteria: Invitae Variant Classification Sherloc (09022015). Collection method: clinical testing. Allele origin: germline.
Comment: This variant is not present in population databases (gnomAD no frequency). This variant has not been reported in the literature in individuals affected with MAT1A-related conditions. Variants that disrupt the consensus splice site are a relatively common cause of aberrant splicing (PMID: 17576681, 9536098). Algorithms developed to predict the effect of sequence changes on RNA splicing suggest that this variant may disrupt the consensus splice site. In summary, the available evidence is currently insufficient to determine the role of this variant in disease. Therefore, it has been classified as a Variant of Uncertain Significance. This sequence change affects an acceptor splice site in intron 8 of the MAT1A gene. While this variant is not anticipated to result in nonsense mediated decay, it likely alters RNA splicing and results in a disrupted protein product.

Literature cited by the submitters: PubMed 17576681; PubMed 9536098.